The following is an entry in ClinVar:

NM_000138.5(FBN1):c.6622A>C (p.Asn2208His)

Gene: FBN1 (fibrillin 1; minus strand). Cytogenetic location: 15q21.1.
Variant type: single nucleotide variant.
Coding change: c.6622A>C on transcript NM_000138.5 (MANE Select); coding-DNA position 6622, A replaced by C.
Protein change: p.Asn2208His; replaces asparagine 2208 with histidine.
Molecular consequence: missense variant.
Genome position (GRCh38, 1-based): chr15:48,432,983, T>G on the plus strand (A>C on the coding strand, the complement: FBN1 is on the minus strand). VCF-style: chr15-48432983-T-G. GRCh37 (hg19) VCF-style: chr15-48725180-T-G.
Other names: c.6622A>C, p.Asn2208His (NM_001406716.1); short protein forms N2208H.
Identifiers: ClinVar variation 5020154 (VCV005020154.1).

ClinVar aggregate classification (germline): Uncertain significance (1 of 4 stars; one submission).

gnomAD v4.1: 1 of 1,613,416 alleles (0.000062%); highest among the groups gnomAD compares: East Asian, 0.0022%; no homozygotes.

Submission:

Dasa
Classification: Uncertain significance. Last evaluated: 2026-07-22. Review status: criteria provided, single submitter. Criteria: DASA Assertion Criteria. Collection method: clinical testing. Allele origin: germline.
Comment: NM_000138.5(FBN1):c.6622A>C (p.Asn2208His) is a missense variant that results in the substitution of asparagine with histidine. This variant is rare in population databases. Computational prediction algorithms are consistent with a deleterious effect. The currently available literature and clinical evidence are not sufficient to establish a definitive association between this variant and the reported condition. Therefore, this variant is classified as a variant of uncertain significance.